The following is an entry in ClinVar:

NM_015450.3(POT1):c.635G>A (p.Arg212Gln)

Gene: POT1 (protection of telomeres 1; minus strand). Cytogenetic location: 7q31.33.
Variant type: single nucleotide variant.
Coding change: c.635G>A on transcript NM_015450.3 (MANE Select); coding-DNA position 635, G replaced by A.
Protein change: p.Arg212Gln; replaces arginine 212 with glutamine.
Molecular consequence: missense variant. On other transcripts: non-coding transcript variant (3).
Genome position (GRCh38, 1-based): chr7:124,859,024, C>T on the plus strand (G>A on the coding strand, the complement: POT1 is on the minus strand). VCF-style: chr7-124859024-C-T. GRCh37 (hg19) VCF-style: chr7-124499078-C-T.
Other names: c.242G>A, p.Arg81Gln (NM_001042594.2); short protein forms R81Q, R212Q.
Identifiers: ClinVar variation 653278 (VCV000653278.14), dbSNP rs746903370, ClinGen allele CA4465399.

ClinVar aggregate classification (germline): Uncertain significance. Review status: criteria provided, multiple submitters, no conflicts (2 of 4 stars). 3 submissions from 3 submitters: Uncertain significance (3). Last evaluated 2025-10-28.

Conditions:
Hereditary cancer-predisposing syndrome. Also called: Tumor predisposition; Neoplastic Syndromes, Hereditary; Hereditary Cancer Syndrome; Hereditary neoplastic syndrome. Identifiers: Orphanet 140162, MedGen C0027672, MeSH D009386, MONDO:0015356.
Tumor predisposition syndrome 3 (TPDS3). Also called: Melanoma, cutaneous malignant, susceptibility to, 10; Glioma susceptibility 9; LONG TELOMERE SYNDROME, POT1-RELATED; POT1 Tumor Predisposition. Identifiers: Orphanet 618, MedGen C4014476, MONDO:0014368, OMIM 615848.

Allele frequency attached by ClinVar (database versions not stated): gnomAD exomes 0.00001; TOPMed 0.00001; ExAC 0.00002.
gnomAD v4.1: 45 of 1,610,268 alleles (0.0028%); highest among the groups gnomAD compares: South Asian, 0.0055%; no homozygotes.

Submissions (3):

Ambry Genetics
Classification: Uncertain significance for Hereditary cancer-predisposing syndrome. Last evaluated: 2025-10-28. Review status: criteria provided, single submitter. Criteria: Ambry Variant Classification Scheme 2023. Collection method: clinical testing. Allele origin: germline.
Comment: The p.R212Q variant (also known as c.635G>A), located in coding exon 5 of the POT1 gene, results from a G to A substitution at nucleotide position 635. The arginine at codon 212 is replaced by glutamine, an amino acid with highly similar properties. This amino acid position is not well conserved in available vertebrate species, and glutamine is the reference amino acid in other vertebrate species. In addition, this alteration is predicted to be tolerated by in silico analysis. Since supporting evidence is limited at this time, the clinical significance of this alteration remains unclear.

Labcorp Genetics (formerly Invitae), Labcorp
Classification: Uncertain significance for Tumor predisposition syndrome 3. Last evaluated: 2025-08-18. Review status: criteria provided, single submitter. Criteria: Invitae Variant Classification Sherloc (09022015). Collection method: clinical testing. Allele origin: germline.
Comment: This sequence change replaces arginine, which is basic and polar, with glutamine, which is neutral and polar, at codon 212 of the POT1 protein (p.Arg212Gln). This variant is present in population databases (rs746903370, gnomAD 0.01%). This variant has not been reported in the literature in individuals affected with POT1-related conditions. ClinVar contains an entry for this variant (Variation ID: 653278). Invitae Evidence Modeling of protein sequence and biophysical properties (such as structural, functional, and spatial information, amino acid conservation, physicochemical variation, residue mobility, and thermodynamic stability) indicates that this missense variant is not expected to disrupt POT1 protein function with a negative predictive value of 80%. RNA analysis performed to evaluate the impact of this missense change on mRNA splicing indicates it does not significantly alter splicing (internal data). In summary, the available evidence is currently insufficient to determine the role of this variant in disease. Therefore, it has been classified as a Variant of Uncertain Significance.

Center for Genomic Medicine, Rigshospitalet, Copenhagen University Hospital
Classification: Uncertain significance. Last evaluated: 2025-03-04. Review status: criteria provided, single submitter. Criteria: ACMG Guidelines, 2015. Collection method: clinical testing. Allele origin: germline.